The following is an entry in ClinVar:

ClinVar aggregate classification (germline): Likely benign (1 of 4 stars; one submission).

Allele frequency attached by ClinVar (database versions not stated): 1000 Genomes Project 0.00240; 1000 Genomes Project 30x 0.00265; TOPMed 0.00390; ExAC 0.00409; gnomAD 0.00414; ESP Exome Variant Server 0.00485; gnomAD exomes 0.00591.
gnomAD v4.1: 9,207 of 1,612,166 alleles (0.57%); highest among the groups gnomAD compares: Non-Finnish European, 0.67%; 42 homozygotes.

Submissions (14):

CeGaT Center for Human Genetics Tuebingen
Classification: Likely benign. Last evaluated: 2022-08-01. Review status: criteria provided, single submitter. Criteria: CeGaT Center For Human Genetics Tuebingen Variant Classification Criteria Version 2. Collection method: clinical testing. Allele origin: germline. Affected: yes. Observed: 1 variant allele.
Comment: PABPC1L: BS2

Dr. Peter K. Rogan Lab, Western University
No classification provided (evidence only). Condition: Malignant tumor of urinary bladder. Review status: no classification provided. Collection method: in vitro. Allele origin: not applicable. Functional consequence: skipped exon. Not counted in ClinVar's aggregate classification.

Dr. Peter K. Rogan Lab, Western University
No classification provided (evidence only). Condition: Clear cell carcinoma of kidney. Review status: no classification provided. Collection method: in vitro. Allele origin: not applicable. Functional consequence: skipped exon. Not counted in ClinVar's aggregate classification.

Dr. Peter K. Rogan Lab, Western University
No classification provided (evidence only). Condition: Lung cancer. Review status: no classification provided. Collection method: in vitro. Allele origin: not applicable. Functional consequence: retained intron. Not counted in ClinVar's aggregate classification.

Dr. Peter K. Rogan Lab, Western University
No classification provided (evidence only). Condition: Melanoma. Review status: no classification provided. Collection method: in vitro. Allele origin: not applicable. Functional consequence: skipped exon. Not counted in ClinVar's aggregate classification.

Dr. Peter K. Rogan Lab, Western University
No classification provided (evidence only). Condition: Melanoma. Review status: no classification provided. Collection method: in vitro. Allele origin: not applicable. Functional consequence: skipped exon. Not counted in ClinVar's aggregate classification.

Dr. Peter K. Rogan Lab, Western University
No classification provided (evidence only). Condition: Familial cancer of breast. Review status: no classification provided. Collection method: in vitro. Allele origin: not applicable. Functional consequence: skipped exon, retained intron. Not counted in ClinVar's aggregate classification.

Dr. Peter K. Rogan Lab, Western University
No classification provided (evidence only). Condition: Acute myeloid leukemia. Review status: no classification provided. Collection method: in vitro. Allele origin: not applicable. Functional consequence: skipped exon, retained intron. Not counted in ClinVar's aggregate classification.

Dr. Peter K. Rogan Lab, Western University
No classification provided (evidence only). Condition: Thyroid cancer, nonmedullary, 1. Review status: no classification provided. Collection method: in vitro. Allele origin: not applicable. Functional consequence: skipped exon. Not counted in ClinVar's aggregate classification.

Dr. Peter K. Rogan Lab, Western University
No classification provided (evidence only). Condition: Cervical cancer. Review status: no classification provided. Collection method: in vitro. Allele origin: not applicable. Functional consequence: skipped exon. Not counted in ClinVar's aggregate classification.

Dr. Peter K. Rogan Lab, Western University
No classification provided (evidence only). Condition: Cervical cancer. Review status: no classification provided. Collection method: in vitro. Allele origin: not applicable. Functional consequence: skipped exon. Not counted in ClinVar's aggregate classification.

Dr. Peter K. Rogan Lab, Western University
No classification provided (evidence only). Condition: Cervical cancer. Review status: no classification provided. Collection method: in vitro. Allele origin: not applicable. Functional consequence: skipped exon, retained intron. Not counted in ClinVar's aggregate classification.

Dr. Peter K. Rogan Lab, Western University
No classification provided (evidence only). Condition: Hepatocellular carcinoma. Review status: no classification provided. Collection method: in vitro. Allele origin: not applicable. Functional consequence: skipped exon. Not counted in ClinVar's aggregate classification.

Dr. Peter K. Rogan Lab, Western University
No classification provided (evidence only). Condition: Gastric cancer. Review status: no classification provided. Collection method: in vitro. Allele origin: not applicable. Functional consequence: retained intron. Not counted in ClinVar's aggregate classification.

NM_001372179.1(PABPC1L):c.554C>T (p.Ala185Val)

Gene: PABPC1L (poly(A) binding protein cytoplasmic 1 like; plus strand). Cytogenetic location: 20q13.12.
Variant type: single nucleotide variant.
Coding change: c.554C>T on transcript NM_001372179.1 (MANE Select); coding-DNA position 554, C replaced by T.
Protein change: p.Ala185Val; replaces alanine 185 with valine.
Molecular consequence: missense variant. On other transcripts: non-coding transcript variant (2).
Genome position (GRCh38, 1-based): chr20:44,918,956, C>T. VCF-style: chr20-44918956-C-T. GRCh37 (hg19) VCF-style: chr20-43547597-C-T.
Other names: NC_000020.10:g.43547597C>T; short protein forms A185V.
Identifiers: ClinVar variation 2652347 (VCV002652347.25), dbSNP rs184944540, ClinGen allele CA9872871.